The following is an entry in ClinVar:

ClinVar aggregate classification (germline): Likely benign (1 of 4 stars; one submission).

Submission:

GeneDx
Classification: Likely benign. Last evaluated: 2016-11-30. Review status: criteria provided, single submitter. Criteria: GeneDx Variant Classification (06012015). Collection method: clinical testing. Allele origin: germline. Affected: yes.
Comment: This variant is considered likely benign or benign based on one or more of the following criteria: it is a conservative change, it occurs at a poorly conserved position in the protein, it is predicted to be benign by multiple in silico algorithms, and/or has population frequency not consistent with disease.

NM_000722.4(CACNA2D1):c.1873+14A>T

Gene: CACNA2D1 (calcium voltage-gated channel auxiliary subunit alpha2delta 1; minus strand). Cytogenetic location: 7q21.11.
Variant type: single nucleotide variant.
Coding change: c.1873+14A>T on transcript NM_000722.4 (MANE Select); 14 bases into the intron after coding-DNA position 1873, A replaced by T.
Molecular consequence: intron variant.
Genome position (GRCh38, 1-based): chr7:81,984,621, T>A on the plus strand (A>T on the coding strand, the complement: CACNA2D1 is on the minus strand). VCF-style: chr7-81984621-T-A. GRCh37 (hg19) VCF-style: chr7-81613937-T-A.
Other names: c.1873+14A>T (LRG_437t1); c.1930+14A>T (NM_001366867.1).
Identifiers: ClinVar variation 391258 (VCV000391258.1), dbSNP rs1057524018, ClinGen allele CA16605149.